The following is an entry in ClinVar:

ClinVar aggregate classification (germline): Benign/Likely benign. Review status: criteria provided, multiple submitters, no conflicts (2 of 4 stars). 12 submissions from 11 submitters: Benign (10); Likely benign (1). 1 of the submissions does not count toward it. Last evaluated 2026-02-03.

Conditions:
Spherocytosis. Identifiers: MedGen C0553720, HP:0004444.
Hereditary spherocytosis type 1. Also called: Spherocytosis type 1; ANK1-Related Spherocytosis. Identifiers: Orphanet 822, MedGen C2674218, MONDO:0008447, OMIM 182900.

Allele frequency attached by ClinVar (database versions not stated): ESP Exome Variant Server 0.74988; TOPMed 0.75299; gnomAD 0.75703 and 0.76029; gnomAD exomes 0.76557 and 0.77747; ExAC 0.78047; 1000 Genomes Project 30x 0.78498; 1000 Genomes Project 0.78634.
gnomAD v4.1: 1,234,202 of 1,613,258 alleles (77%); highest among the groups gnomAD compares: East Asian, 82%; 473,027 homozygotes.

Submissions (12):

Labcorp Genetics (formerly Invitae), Labcorp
Classification: Benign. Last evaluated: 2026-02-03. Review status: criteria provided, single submitter. Criteria: Invitae Variant Classification Sherloc (09022015). Collection method: clinical testing. Allele origin: germline.

ARUP Laboratories, Molecular Genetics and Genomics, ARUP Laboratories
Classification: Benign for Hereditary spherocytosis type 1. Last evaluated: 2025-07-31. Review status: criteria provided, single submitter. Criteria: ARUP Molecular Germline Variant Investigation Process 2024. Collection method: clinical testing. Allele origin: germline.

Blueprint Genetics
Classification: Likely benign. Last evaluated: 2024-11-27. Review status: criteria provided, single submitter. Criteria: ACMG Guidelines, 2015. Collection method: clinical testing. Allele origin: germline.

Genome-Nilou Lab
Classification: Benign for Hereditary spherocytosis type 1. Last evaluated: 2021-07-14. Review status: criteria provided, single submitter. Criteria: ACMG Guidelines, 2015. Collection method: clinical testing. Allele origin: germline. Affected: no.

GeneDx
Classification: Benign. Last evaluated: 2018-11-10. Review status: criteria provided, single submitter. Criteria: GeneDx Variant Classification Process June 2021. Collection method: clinical testing. Allele origin: germline. Affected: yes.

Illumina Laboratory Services, Illumina
Classification: Benign for Hereditary spherocytosis type 1. Last evaluated: 2018-01-12. Review status: criteria provided, single submitter. Criteria: ICSL Variant Classification Criteria 13 December 2019. Collection method: clinical testing. Allele origin: germline.
Comment: This variant was observed in the ICSL laboratory as part of a predisposition screen in an ostensibly healthy population. It had not been previously curated by ICSL or reported in the Human Gene Mutation Database (HGMD: prior to June 1st, 2018), and was therefore a candidate for classification through an automated scoring system. Utilizing variant allele frequency, disease prevalence and penetrance estimates, and inheritance mode, an automated score was calculated to assess if this variant is too frequent to cause the disease. Based on the score and internal cut-off values, a variant classified as benign is not then subjected to further curation. The score for this variant resulted in a classification of benign for this disease.

Illumina Laboratory Services, Illumina
Classification: Benign for Spherocytosis. Last evaluated: 2018-01-12. Review status: criteria provided, single submitter. Criteria: ICSL Variant Classification Criteria 13 December 2019. Collection method: clinical testing. Allele origin: germline.
Comment: the same text as in the submission from Illumina Laboratory Services, Illumina above.

Mayo Clinic Laboratories, Mayo Clinic
Classification: Benign. Last evaluated: 2016-04-15. Review status: criteria provided, single submitter. Criteria: ACMG Guidelines, 2015. Collection method: clinical testing. Allele origin: germline. Observed: 2,261 variant alleles.

Genome Diagnostics Laboratory, University Medical Center Utrecht
Classification: Benign for Hereditary spherocytosis type 1. Last evaluated: 2014-10-09. Review status: criteria provided, single submitter. Criteria: ACGS Guidelines, 2013. Collection method: clinical testing. Allele origin: germline. Affected: yes. Study: VKGL Data-share Consensus.

Breakthrough Genomics
Classification: Benign. Review status: criteria provided, single submitter. Criteria: ACMG Guidelines, 2015. Collection method: not provided. Allele origin: germline. Inheritance: Autosomal dominant inheritance. Affected: yes.

PreventionGenetics, part of Exact Sciences
Classification: Benign. Review status: criteria provided, single submitter. Criteria: ACMG Guidelines, 2015. Collection method: clinical testing. Allele origin: germline.

Diagnostic Laboratory, Department of Genetics, University Medical Center Groningen
Classification: Benign for Hereditary spherocytosis type 1. Review status: no assertion criteria provided. Collection method: clinical testing. Allele origin: germline. Affected: yes. Study: VKGL Data-share Consensus. Not counted in ClinVar's aggregate classification.

NM_000037.4(ANK1):c.5479-3T>C

Gene: ANK1 (ankyrin 1; minus strand). Cytogenetic location: 8p11.21.
Variant type: single nucleotide variant.
Coding change: c.5479-3T>C on transcript NM_000037.4 (MANE Select); 3 bases into the intron before coding-DNA position 5479, T replaced by C.
Molecular consequence: intron variant.
Genome position (GRCh38, 1-based): chr8:41,661,944, A>G on the plus strand (T>C on the coding strand, the complement: ANK1 is on the minus strand). VCF-style: chr8-41661944-A-G. GRCh37 (hg19) VCF-style: chr8-41519462-A-G.
Other names: p.?; c.5602-3T>C (NM_001142446.2); c.4993-3T>C (NM_020477.3); c.5479-3T>C (NM_020475.3, NM_020476.3); c.303+1715T>C (NM_020480.5); c.304-3T>C (NM_020478.5, NM_001142445.2).
Identifiers: ClinVar variation 261317 (VCV000261317.34), dbSNP rs515071, ClinGen allele CA4727158.